The following is an entry in ClinVar:

NM_000202.8(IDS):c.1028G>A (p.Gly343Glu)

Genes: IDS (iduronate 2-sulfatase; minus strand), LOC106050102 (IDS recombination region; plus strand). Cytogenetic location: Xq28.
Variant type: single nucleotide variant.
Coding change: c.1028G>A on transcript NM_000202.8 (MANE Select); coding-DNA position 1028, G replaced by A.
Protein change: p.Gly343Glu; replaces glycine 343 with glutamic acid.
Molecular consequence: missense variant.
Genome position (GRCh38, 1-based): chrX:149,487,077, C>T on the plus strand (G>A on the coding strand, the complement: IDS is on the minus strand). VCF-style: chrX-149487077-C-T. GRCh37 (hg19) VCF-style: chrX-148568608-C-T.
Other names: c.758G>A, p.Gly253Glu (NM_001166550.4); short protein forms G253E, G343E.
Identifiers: ClinVar variation 988689 (VCV000988689.3), dbSNP rs2089343063, ClinGen allele CA414518998.

ClinVar aggregate classification (germline): Likely pathogenic. Review status: criteria provided, single submitter (1 of 4 stars). 2 submissions from 2 submitters: Likely pathogenic (1). 1 of the submissions does not count toward it. Last evaluated 2024-06-07.

Conditions:
Mucopolysaccharidosis, MPS-II (MPS2). Also called: IDS deficiency; Sulfoiduronate sulfatase deficiency; SIDS deficiency; Mucopolysaccharidosis type 2; Mucopolysaccharidosis Type II; Attenuated MPS (subtype; formerly known as mild MPS II). Identifiers: Orphanet 580, Orphanet 79388, MedGen C0026705, MONDO:0010674, OMIM 309900.

Submissions (2):

Laboratory of Diagnosis and Therapy of Lysosomal Disorders, University of Padova
Classification: Likely pathogenic for Mucopolysaccharidosis, MPS-II. Last evaluated: 2024-06-07. Review status: criteria provided, single submitter. Criteria: ACMG Guidelines, 2015. Collection method: literature only. Allele origin: germline. Affected: yes. Observed: 1 variant allele.
Comment: Absent from controls (or at low frequency) in gnomAD database (PM2_Moderate), Missense variant in a gene with a low rate of benign missense variation (PP2_Supporting), Multiple lines of computational evidence support a deleterious effect (PP3_Supporting), Patient’s phenotype or family history highly specific for the disease (PP4_Strong)

Classification method: ACMG Guidelines [PMID:25741868] with modifications

Laboratory of Inherited Metabolic Diseases, Research centre for medical genetics
Classification: Pathogenic for Mucopolysaccharidosis, type II; MPS2. Review status: no assertion criteria provided. Collection method: research. Allele origin: germline. Affected: yes. Not counted in ClinVar's aggregate classification.

Literature cited by the submitters: PubMed 33676511 (cited by Laboratory of Diagnosis and Therapy of Lysosomal Disorders, University of Padova).